The following is an entry in ClinVar:

NM_001129820.2(SLFN14):c.1190-10G>A

Genes: SLFN14 (schlafen family member 14; minus strand), LOC107985033 (uncharacterized LOC107985033; plus strand). Cytogenetic location: 17q12.
Variant type: single nucleotide variant.
Coding change: c.1190-10G>A on transcript NM_001129820.2 (MANE Select); 10 bases into the intron before coding-DNA position 1190, G replaced by A.
Molecular consequence: intron variant. On other transcripts: non-coding transcript variant (2).
Genome position (GRCh38, 1-based): chr17:35,553,454, C>T on the plus strand (G>A on the coding strand, the complement: SLFN14 is on the minus strand). VCF-style: chr17-35553454-C-T. GRCh37 (hg19) VCF-style: chr17-33880473-C-T.
Identifiers: ClinVar variation 3034606 (VCV003034606.3), dbSNP rs563158300, ClinGen allele CA8504642.

ClinVar aggregate classification (germline): Likely benign. Review status: criteria provided, single submitter (1 of 4 stars). 2 submissions from 2 submitters: Likely benign (1). 1 of the submissions does not count toward it. Last evaluated 2024-06-14.

Conditions:
SLFN14-related disorder. Also called: SLFN14-related condition.

Allele frequency attached by ClinVar (database versions not stated): TOPMed 0.00008; gnomAD 0.00026; gnomAD exomes 0.00037; 1000 Genomes Project 0.00300; 1000 Genomes Project 30x 0.00312; ExAC 0.00369.
gnomAD v4.1: 563 of 1,521,786 alleles (0.037%); highest among the groups gnomAD compares: South Asian, 0.65%; 7 homozygotes.

Submissions (2):

Blueprint Genetics
Classification: Likely benign. Last evaluated: 2024-06-14. Review status: criteria provided, single submitter. Criteria: ACMG Guidelines, 2015. Collection method: clinical testing. Allele origin: germline.

PreventionGenetics, part of Exact Sciences
Classification: Benign for SLFN14-related condition. Last evaluated: 2019-07-30. Review status: no assertion criteria provided. Collection method: clinical testing. Allele origin: germline. Not counted in ClinVar's aggregate classification.
Comment: This variant is classified as benign based on ACMG/AMP sequence variant interpretation guidelines (Richards et al. 2015 PMID: 25741868, with internal and published modifications).